The following is an entry in ClinVar:

ClinVar aggregate classification (germline): Uncertain significance (1 of 4 stars; one submission).

gnomAD v4.1: 5 of 1,613,922 alleles (0.00031%); highest among the groups gnomAD compares: African/African-American, 0.0067%; no homozygotes.

Submission:

Labcorp Genetics (formerly Invitae), Labcorp
Classification: Uncertain significance. Last evaluated: 2024-03-15. Review status: criteria provided, single submitter. Criteria: Invitae Variant Classification Sherloc (09022015). Collection method: clinical testing. Allele origin: germline.
Comment: This sequence change replaces isoleucine, which is neutral and non-polar, with valine, which is neutral and non-polar, at codon 159 of the CARD8 protein (p.Ile159Val). This variant is present in population databases (rs754402344, gnomAD 0.01%). This variant has not been reported in the literature in individuals affected with CARD8-related conditions. An algorithm developed to predict the effect of missense changes on protein structure and function (PolyPhen-2) suggests that this variant is likely to be tolerated. In summary, the available evidence is currently insufficient to determine the role of this variant in disease. Therefore, it has been classified as a Variant of Uncertain Significance.

NM_001184900.3(CARD8):c.625A>G (p.Ile209Val)

Gene: CARD8 (caspase recruitment domain family member 8; minus strand). Cytogenetic location: 19q13.33.
Variant type: single nucleotide variant.
Coding change: c.625A>G on transcript NM_001184900.3 (MANE Select); coding-DNA position 625, A replaced by G.
Protein change: p.Ile209Val; replaces isoleucine 209 with valine.
Molecular consequence: missense variant. On other transcripts: non-coding transcript variant (4).
Genome position (GRCh38, 1-based): chr19:48,230,924, T>C on the plus strand (A>G on the coding strand, the complement: CARD8 is on the minus strand). VCF-style: chr19-48230924-T-C. GRCh37 (hg19) VCF-style: chr19-48734181-T-C.
Other names: c.475A>G, p.Ile159Val (NM_001184901.1, NM_001351783.2, NM_001351788.2 and 2 more transcripts); c.625A>G, p.Ile209Val (NM_001184902.2, NM_001184903.1, NM_001351782.2); c.310A>G, p.Ile104Val (NM_001351784.2, NM_001351787.2, NM_001351791.2 and 2 more transcripts); c.289A>G, p.Ile97Val (NM_001351786.2); c.382A>G, p.Ile128Val (NM_001351790.2); short protein forms I128V, I209V, I104V, I159V, I97V.
Identifiers: ClinVar variation 3693990 (VCV003693990.2).